The following is an entry in ClinVar:

NM_001957.4(EDNRA):c.397G>A (p.Asp133Asn)

Gene: EDNRA (endothelin receptor type A; plus strand). Cytogenetic location: 4q31.22.
Variant type: single nucleotide variant.
Coding change: c.397G>A on transcript NM_001957.4 (MANE Select); coding-DNA position 397, G replaced by A.
Protein change: p.Asp133Asn; replaces aspartic acid 133 with asparagine.
Molecular consequence: missense variant. On other transcripts: non-coding transcript variant (1).
Genome position (GRCh38, 1-based): chr4:147,486,078, G>A. VCF-style: chr4-147486078-G-A. GRCh37 (hg19) VCF-style: chr4-148407230-G-A.
Other names: c.397G>A, p.Asp133Asn (NM_001166055.2, NM_001354797.2); short protein forms D133N.
Identifiers: ClinVar variation 1497121 (VCV001497121.6), dbSNP rs867492374, ClinGen allele CA108393505.

ClinVar aggregate classification (germline): Uncertain significance (1 of 4 stars; one submission).

Submission:

Labcorp Genetics (formerly Invitae), Labcorp
Classification: Uncertain significance. Last evaluated: 2020-11-10. Review status: criteria provided, single submitter. Criteria: Invitae Variant Classification Sherloc (09022015). Collection method: clinical testing. Allele origin: germline.
Comment: Algorithms developed to predict the effect of missense changes on protein structure and function are either unavailable or do not agree on the potential impact of this missense change (SIFT: "Tolerated"; PolyPhen-2: "Probably Damaging"; Align-GVGD: "Class C0"). In summary, the available evidence is currently insufficient to determine the role of this variant in disease. Therefore, it has been classified as a Variant of Uncertain Significance. This variant has not been reported in the literature in individuals with EDNRA-related conditions. This sequence change replaces aspartic acid with asparagine at codon 133 of the EDNRA protein (p.Asp133Asn). The aspartic acid residue is highly conserved and there is a small physicochemical difference between aspartic acid and asparagine. This variant is not present in population databases (ExAC no frequency).